The following is an entry in ClinVar:

NM_001292063.2(OTOG):c.4821G>A (p.Ser1607=)

Gene: OTOG (otogelin; plus strand). Cytogenetic location: 11p15.1.
Variant type: single nucleotide variant.
Coding change: c.4821G>A on transcript NM_001292063.2 (MANE Select); coding-DNA position 4821, G replaced by A.
Protein change: p.Ser1607=; no amino-acid change (serine 1607 retained).
Molecular consequence: synonymous variant.
Genome position (GRCh38, 1-based): chr11:17,610,121, G>A. VCF-style: chr11-17610121-G-A. GRCh37 (hg19) VCF-style: chr11-17631668-G-A.
Other names: c.4857G>A, p.Ser1619= (NM_001277269.2).
Identifiers: ClinVar variation 517546 (VCV000517546.16), dbSNP rs369768224, ClinGen allele CA5905866.

ClinVar aggregate classification (germline): Likely benign. Review status: criteria provided, multiple submitters, no conflicts (2 of 4 stars). 4 submissions from 4 submitters: Likely benign (4). Last evaluated 2025-04-10.

Allele frequency attached by ClinVar (database versions not stated): ExAC 0.00006; TOPMed 0.00010; 1000 Genomes Project 30x 0.00031.

Submissions (4):

Labcorp Genetics (formerly Invitae), Labcorp
Classification: Likely benign. Last evaluated: 2025-04-10. Review status: criteria provided, single submitter. Criteria: Invitae Variant Classification Sherloc (09022015). Collection method: clinical testing. Allele origin: germline.

Blueprint Genetics
Classification: Likely benign. Last evaluated: 2024-11-27. Review status: criteria provided, single submitter. Criteria: ACMG Guidelines, 2015. Collection method: clinical testing. Allele origin: germline.

GeneDx
Classification: Likely benign. Last evaluated: 2021-01-05. Review status: criteria provided, single submitter. Criteria: GeneDx Variant Classification Process June 2021. Collection method: clinical testing. Allele origin: germline. Affected: yes.

Laboratory for Molecular Medicine, Mass General Brigham Personalized Medicine
Classification: Likely benign. Last evaluated: 2017-08-23. Review status: criteria provided, single submitter. Criteria: LMM Criteria. Collection method: clinical testing. Allele origin: germline. Observed: 1 variant allele.
Comment: p.Ser1619Ser in exon 35 of OTOG: This variant is not expected to have clinical s ignificance because it does not alter an amino acid residue and is not located w ithin the splice consensus sequence. It has been identified in 1/5318 European c hromosomes by the Exome Aggregation Consortium (ExAC .org; dbSNP rs369768224).